The following is an entry in ClinVar:

ClinVar aggregate classification (germline): Uncertain significance (1 of 4 stars; one submission).

Conditions:
Inborn genetic diseases. Identifiers: MedGen C0950123, MeSH D030342.

Submission:

Ambry Genetics
Classification: Uncertain significance for Inborn genetic diseases. Last evaluated: 2025-10-26. Review status: criteria provided, single submitter. Criteria: Ambry Variant Classification Scheme 2023. Collection method: clinical testing. Allele origin: germline.
Comment: The p.R127S variant (also known as c.379C>A), located in coding exon 4 of the FANCG gene, results from a C to A substitution at nucleotide position 379. The arginine at codon 127 is replaced by serine, an amino acid with dissimilar properties. This amino acid position is conserved. In addition, this alteration is predicted to be tolerated by in silico analysis. Based on the available evidence, the clinical significance of this variant remains unclear.

NM_004629.2(FANCG):c.379C>A (p.Arg127Ser)

Gene: FANCG (FA complementation group G; minus strand). Cytogenetic location: 9p13.3.
Variant type: single nucleotide variant.
Coding change: c.379C>A on transcript NM_004629.2 (MANE Select); coding-DNA position 379, C replaced by A.
Protein change: p.Arg127Ser; replaces arginine 127 with serine.
Molecular consequence: missense variant.
Genome position (GRCh38, 1-based): chr9:35,078,272, G>T on the plus strand (C>A on the coding strand, the complement: FANCG is on the minus strand). VCF-style: chr9-35078272-G-T. GRCh37 (hg19) VCF-style: chr9-35078269-G-T.
Other names: short protein forms R127S.
Identifiers: ClinVar variation 4619379 (VCV004619379.1).